The following is an entry in ClinVar:

NM_144997.7(FLCN):c.1486T>C (p.Ser496Pro)

Gene: FLCN (folliculin; minus strand). Cytogenetic location: 17p11.2.
Variant type: single nucleotide variant.
Coding change: c.1486T>C on transcript NM_144997.7 (MANE Select); coding-DNA position 1486, T replaced by C.
Protein change: p.Ser496Pro; replaces serine 496 with proline.
Molecular consequence: missense variant.
Genome position (GRCh38, 1-based): chr17:17,215,037, A>G on the plus strand (T>C on the coding strand, the complement: FLCN is on the minus strand). VCF-style: chr17-17215037-A-G. GRCh37 (hg19) VCF-style: chr17-17118351-A-G.
Other names: c.1540T>C, p.Ser514Pro (NM_001353229.2); c.1486T>C, p.Ser496Pro (NM_001353230.2, NM_001353231.2); short protein forms S496P, S514P.
Identifiers: ClinVar variation 4643044 (VCV004643044.1).

ClinVar aggregate classification (germline): Uncertain significance (1 of 4 stars; one submission).

Conditions:
Hereditary cancer-predisposing syndrome. Also called: Neoplastic Syndromes, Hereditary; Tumor predisposition; Hereditary Cancer Syndrome; Hereditary neoplastic syndrome. Identifiers: Orphanet 140162, MedGen C0027672, MeSH D009386, MONDO:0015356.

Submission:

Ambry Genetics
Classification: Uncertain significance for Hereditary cancer-predisposing syndrome. Last evaluated: 2025-10-26. Review status: criteria provided, single submitter. Criteria: Ambry Variant Classification Scheme 2023. Collection method: clinical testing. Allele origin: germline.
Comment: The p.S496P variant (also known as c.1486T>C), located in coding exon 10 of the FLCN gene, results from a T to C substitution at nucleotide position 1486. The serine at codon 496 is replaced by proline, an amino acid with similar properties. This amino acid position is conserved. In addition, this alteration is predicted to be deleterious by in silico analysis. Based on the available evidence, the clinical significance of this variant remains unclear.